The following is an entry in ClinVar:

ClinVar aggregate classification (germline): Likely pathogenic (1 of 4 stars; one submission).

Conditions:
Developmental and epileptic encephalopathy, 12 (DEE12). Identifiers: MedGen C3150988, MONDO:0013389, OMIM 613722.

gnomAD v4.1: 1 of 1,612,528 alleles (0.000062%); highest among the groups gnomAD compares: Non-Finnish European, 0.000085%; no homozygotes.

Submission:

Labcorp Genetics (formerly Invitae), Labcorp
Classification: Likely pathogenic for Developmental and epileptic encephalopathy, 12. Last evaluated: 2025-12-08. Review status: criteria provided, single submitter. Criteria: Invitae Variant Classification Sherloc (09022015). Collection method: clinical testing. Allele origin: germline.
Comment: This sequence change affects an acceptor splice site in intron 4 of the PNKP gene. It is expected to disrupt RNA splicing. Variants that disrupt the donor or acceptor splice site typically lead to a loss of protein function (PMID: 16199547), and loss-of-function variants in PNKP are known to be pathogenic (PMID: 20118933, 25728773). This variant is not present in population databases (gnomAD no frequency). This variant has not been reported in the literature in individuals affected with PNKP-related conditions. Algorithms developed to predict the effect of sequence changes on RNA splicing suggest that this variant may disrupt the consensus splice site. In summary, the currently available evidence indicates that the variant is pathogenic, but additional data are needed to prove that conclusively. Therefore, this variant has been classified as Likely Pathogenic.

Literature cited by the submitters: PubMed 16199547; PubMed 20118933; PubMed 25728773.

NM_007254.4(PNKP):c.499-1G>A

Gene: PNKP (polynucleotide kinase 3'-phosphatase; minus strand). Cytogenetic location: 19q13.33.
Variant type: single nucleotide variant.
Coding change: c.499-1G>A on transcript NM_007254.4 (MANE Select); the canonical splice acceptor site of the intron before coding-DNA position 499, G replaced by A.
Molecular consequence: splice acceptor variant.
Genome position (GRCh38, 1-based): chr19:49,864,404, C>T on the plus strand (G>A on the coding strand, the complement: PNKP is on the minus strand). VCF-style: chr19-49864404-C-T. GRCh37 (hg19) VCF-style: chr19-50367661-C-T.
Identifiers: ClinVar variation 4728927 (VCV004728927.1).